The following is an entry in ClinVar:

ClinVar aggregate classification (germline): Conflicting classifications of pathogenicity. Review status: criteria provided, conflicting classifications (1 of 4 stars). 2 submissions from 2 submitters: Uncertain significance (1); Likely benign (1). Last evaluated 2025-08-18.

Conditions:
Lung carcinoma. Identifiers: MedGen C0684249, MONDO:0005138.
EGFR-related lung cancer (EGFR). Identifiers: MedGen CN130014.

Allele frequency attached by ClinVar (database versions not stated): gnomAD exomes below 0.00001.
gnomAD v4.1: 1 of 1,614,088 alleles (0.000062%); highest among the groups gnomAD compares: Non-Finnish European, 0.000085%; no homozygotes.

Submissions (2):

Labcorp Genetics (formerly Invitae), Labcorp
Classification: Uncertain significance for EGFR-related lung cancer. Last evaluated: 2025-08-18. Review status: criteria provided, single submitter. Criteria: Invitae Variant Classification Sherloc (09022015). Collection method: clinical testing. Allele origin: germline.
Comment: This sequence change replaces isoleucine, which is neutral and non-polar, with valine, which is neutral and non-polar, at codon 966 of the EGFR protein (p.Ile966Val). This variant is present in population databases (no rsID available, gnomAD 0.0009%). This variant has not been reported in the literature in individuals affected with EGFR-related conditions. ClinVar contains an entry for this variant (Variation ID: 802320). Invitae Evidence Modeling of protein sequence and biophysical properties (such as structural, functional, and spatial information, amino acid conservation, physicochemical variation, residue mobility, and thermodynamic stability) indicates that this missense variant is not expected to disrupt EGFR protein function with a negative predictive value of 80%. In summary, the available evidence is currently insufficient to determine the role of this variant in disease. Therefore, it has been classified as a Variant of Uncertain Significance.

Mendelics
Classification: Likely benign for Lung cancer. Last evaluated: 2019-05-28. Review status: criteria provided, single submitter. Criteria: Mendelics Assertion Criteria 2017. Collection method: clinical testing. Allele origin: unknown.

NM_005228.5(EGFR):c.2896A>G (p.Ile966Val)

Gene: EGFR (epidermal growth factor receptor; plus strand). Cytogenetic location: 7p11.2.
Variant type: single nucleotide variant.
Coding change: c.2896A>G on transcript NM_005228.5 (MANE Select); coding-DNA position 2896, A replaced by G.
Protein change: p.Ile966Val; replaces isoleucine 966 with valine.
Molecular consequence: missense variant.
Genome position (GRCh38, 1-based): chr7:55,200,363, A>G. VCF-style: chr7-55200363-A-G. GRCh37 (hg19) VCF-style: chr7-55268056-A-G.
Other names: c.2761A>G, p.Ile921Val (NM_001346897.2, NM_001346899.2); c.2896A>G, p.Ile966Val (NM_001346898.2); c.2737A>G, p.Ile913Val (NM_001346900.2); c.2095A>G, p.Ile699Val (NM_001346941.2); short protein forms I913V, I699V, I921V, I966V.
Identifiers: ClinVar variation 802320 (VCV000802320.2), dbSNP rs1383485737, ClinGen allele CA367581872.